The following is an entry in ClinVar:

NM_000138.5(FBN1):c.5215C>T (p.Pro1739Ser)

Gene: FBN1 (fibrillin 1; minus strand). Cytogenetic location: 15q21.1.
Variant type: single nucleotide variant.
Coding change: c.5215C>T on transcript NM_000138.5 (MANE Select); coding-DNA position 5215, C replaced by T.
Protein change: p.Pro1739Ser; replaces proline 1739 with serine.
Molecular consequence: missense variant.
Genome position (GRCh38, 1-based): chr15:48,463,091, G>A on the plus strand (C>T on the coding strand, the complement: FBN1 is on the minus strand). VCF-style: chr15-48463091-G-A. GRCh37 (hg19) VCF-style: chr15-48755288-G-A.
Other names: c.5215C>T, p.Pro1739Ser (NM_001406716.1); short protein forms P1739S.
Identifiers: ClinVar variation 3074860 (VCV003074860.1), dbSNP rs2505490823, ClinGen allele CA392348958.

ClinVar aggregate classification (germline): Uncertain significance (1 of 4 stars; one submission).

Conditions:
Marfan syndrome (MFS). Also called: MARFAN SYNDROME, TYPE I; Marfan syndrome type 1; Marfan's syndrome; Marfan syndrome, classic; FBN1-Related Marfan Syndrome. Identifiers: Orphanet 284963, Orphanet 558, MedGen C0024796, MONDO:0007947, OMIM 154700.

Submission:

All of Us Research Program, National Institutes of Health
Classification: Uncertain significance for Marfan syndrome. Last evaluated: 2023-12-13. Review status: criteria provided, single submitter. Criteria: ACMG Guidelines, 2015. Collection method: clinical testing. Allele origin: germline. Inheritance: Autosomal dominant inheritance. Observed: 1 variant allele, 1 heterozygote.
Comment: This missense variant replaces proline with serine at codon 1739 of the FBN1 protein. Computational prediction suggests that this variant may have deleterious impact on protein structure and function (internally defined REVEL score threshold >= 0.7, PMID: 27666373). To our knowledge, functional studies have not been reported for this variant. This variant has not been reported in individuals affected with FBN1-related disorders in the literature. This variant has not been identified in the general population by the Genome Aggregation Database (gnomAD). The available evidence is insufficient to determine the role of this variant in disease conclusively. Therefore, this variant is classified as a Variant of Uncertain Significance.

This study involves interpretation of variants in research participants for the purpose of population health screening. Participant phenotype was not available at the time of variant classification. Additional details can be found in publication PMID: 35346344, PMCID: PMC8962531